The following is an entry in ClinVar:

NM_000088.4(COL1A1):c.1720C>T (p.Arg574Cys)

Gene: COL1A1 (collagen type I alpha 1 chain; minus strand). Cytogenetic location: 17q21.33.
Variant type: single nucleotide variant.
Coding change: c.1720C>T on transcript NM_000088.4 (MANE Select); coding-DNA position 1720, C replaced by T.
Protein change: p.Arg574Cys; replaces arginine 574 with cysteine.
Molecular consequence: missense variant.
Genome position (GRCh38, 1-based): chr17:50,193,990, G>A on the plus strand (C>T on the coding strand, the complement: COL1A1 is on the minus strand). VCF-style: chr17-50193990-G-A. GRCh37 (hg19) VCF-style: chr17-48271351-G-A.
Other names: short protein forms R574C.
Identifiers: ClinVar variation 4888210 (VCV004888210.1).

ClinVar aggregate classification (germline): Uncertain significance (1 of 4 stars; one submission).

gnomAD v4.1: 5 of 1,614,032 alleles (0.00031%); highest among the groups gnomAD compares: African/African-American, 0.0013%; no homozygotes.

Submission:

GeneDx
Classification: Uncertain significance. Last evaluated: 2026-03-05. Review status: criteria provided, single submitter. Criteria: GeneDx Variant Classification Process June 2021. Collection method: clinical testing. Allele origin: germline.
Comment: Identified in a patient with a dissection of left femoral artery and an aortic aneurysm (PMID: 17211858); Located in the Gly-Xaa-Yaa triple helical region of the pro-alpha1(I) chain encoded by the COL1A1 gene, where triplet glycine substitutions are the most common cause of osteogenesis imperfecta (OI). The effect of missense substitution at the X and Y positions are more difficult to predict; however, multiple variants that result in introduction of a Cys residue in pro-alpha1(I) have been reported to be pathogenic (PMID: 9399846); Not observed at significant frequency in large population cohorts (gnomAD); In silico analysis supports that this missense variant has a deleterious effect on protein structure/function; Also known as R396C; This variant is associated with the following publications: (PMID: 9399846, 17211858, 35587586)